The following is an entry in ClinVar:

NM_006084.5(IRF9):c.808C>T (p.Arg270Cys)

Gene: IRF9 (interferon regulatory factor 9; plus strand). Cytogenetic location: 14q12.
Variant type: single nucleotide variant.
Coding change: c.808C>T on transcript NM_006084.5 (MANE Select); coding-DNA position 808, C replaced by T.
Protein change: p.Arg270Cys; replaces arginine 270 with cysteine.
Molecular consequence: missense variant. On other transcripts: intron variant (1).
Genome position (GRCh38, 1-based): chr14:24,164,772, C>T. VCF-style: chr14-24164772-C-T. GRCh37 (hg19) VCF-style: chr14-24633981-C-T.
Other names: c.835C>T, p.Arg279Cys (NM_001385400.1, NM_001385401.1); c.650-105C>T (NM_001385402.1); short protein forms R270C, R279C.
Identifiers: ClinVar variation 1373993 (VCV001373993.6), dbSNP rs2038501856, ClinGen allele CA389208777.
Genomic context (GRCh38, chr14:24,164,772, plus strand): 5'-TCTGAGAGCAGCATGGAGCAGGTGCTGTTCCCCAAGCCTGGCCCACTGGAGCCCACGCAG[C>T]GCCTGCTGAGCCAGCTTGAGAGGGGCATCCTAGTGGCCAGCAACCCCCGAGGCCTCTTCG-3'
Protein context (NP_006075.3, residues 260-280): PKPGPLEPTQ[Arg270Cys]LLSQLERGIL

ClinVar aggregate classification (germline): Uncertain significance (1 of 4 stars; one submission).

Allele frequency attached by ClinVar (database versions not stated): gnomAD exomes below 0.00001; gnomAD 0.00001.
gnomAD v4.1: 5 of 1,611,096 alleles (0.00031%); highest among the groups gnomAD compares: African/African-American, 0.0027%; no homozygotes.

Submission:

Labcorp Genetics (formerly Invitae), Labcorp
Classification: Uncertain significance. Last evaluated: 2022-06-20. Review status: criteria provided, single submitter. Criteria: Invitae Variant Classification Sherloc (09022015). Collection method: clinical testing. Allele origin: germline.
Comment: This sequence change replaces arginine, which is basic and polar, with cysteine, which is neutral and slightly polar, at codon 270 of the IRF9 protein (p.Arg270Cys). This variant is not present in population databases (gnomAD no frequency). This variant has not been reported in the literature in individuals affected with IRF9-related conditions. Algorithms developed to predict the effect of missense changes on protein structure and function are either unavailable or do not agree on the potential impact of this missense change (SIFT: "Deleterious"; PolyPhen-2: "Probably Damaging"; Align-GVGD: "Class C15"). In summary, the available evidence is currently insufficient to determine the role of this variant in disease. Therefore, it has been classified as a Variant of Uncertain Significance.